The following is an entry in ClinVar:

ClinVar aggregate classification (germline): Benign/Likely benign. Review status: criteria provided, single submitter (1 of 4 stars). 3 submissions from 1 submitter: Benign (1); Likely benign (2). Last evaluated 2018-01-12.

Conditions:
Gastrointestinal stromal tumor. Also called: Gastrointestinal stroma tumor; Gastrointestinal stromal tumor, somatic. Identifiers: Orphanet 44890, MedGen C0238198, MeSH D046152, MONDO:0011719, OMIM 606764, HP:0100723.
Piebaldism. Also called: Piebald skin depigmentation. Identifiers: Orphanet 2884, MedGen C0080024, MONDO:0008244, OMIM 172800, HP:0007544.
Mastocytosis. Also called: Mast Cell Disease. Identifiers: Orphanet 98292, MedGen C0024899, MONDO:0007950, HP:0100495.

Allele frequency attached by ClinVar (database versions not stated): TOPMed 0.00044; gnomAD exomes 0.00049; ExAC 0.00056; 1000 Genomes Project 30x 0.00156; 1000 Genomes Project 0.00160.
gnomAD v4.1: 172 of 1,612,042 alleles (0.011%); highest among the groups gnomAD compares: East Asian, 0.31%; no homozygotes.

Submissions (3):

Illumina Laboratory Services, Illumina
Classification: Likely benign for Gastrointestinal stromal tumor. Last evaluated: 2018-01-12. Review status: criteria provided, single submitter. Criteria: ICSL Variant Classification Criteria 13 December 2019. Collection method: clinical testing. Allele origin: germline.
Comment: This variant was observed in the ICSL laboratory as part of a predisposition screen in an ostensibly healthy population. It had not been previously curated by ICSL or reported in the Human Gene Mutation Database (HGMD: prior to June 1st, 2018), and was therefore a candidate for classification through an automated scoring system. Utilizing variant allele frequency, disease prevalence and penetrance estimates, and inheritance mode, an automated score was calculated to assess if this variant is too frequent to cause the disease. Based on the score and internal cut-off values, a variant classified as likely benign is not then subjected to further curation. The score for this variant resulted in a classification of likely benign for this disease.

Illumina Laboratory Services, Illumina
Classification: Likely benign for Piebaldism. Last evaluated: 2018-01-12. Review status: criteria provided, single submitter. Criteria: ICSL Variant Classification Criteria 13 December 2019. Collection method: clinical testing. Allele origin: germline.
Comment: the same text as in the submission from Illumina Laboratory Services, Illumina above.

Illumina Laboratory Services, Illumina
Classification: Benign for Cutaneous mastocytosis. Last evaluated: 2018-01-12. Review status: criteria provided, single submitter. Criteria: ICSL Variant Classification Criteria 13 December 2019. Collection method: clinical testing. Allele origin: germline.
Comment: This variant was observed in the ICSL laboratory as part of a predisposition screen in an ostensibly healthy population. It had not been previously curated by ICSL or reported in the Human Gene Mutation Database (HGMD: prior to June 1st, 2018), and was therefore a candidate for classification through an automated scoring system. Utilizing variant allele frequency, disease prevalence and penetrance estimates, and inheritance mode, an automated score was calculated to assess if this variant is too frequent to cause the disease. Based on the score and internal cut-off values, a variant classified as benign is not then subjected to further curation. The score for this variant resulted in a classification of benign for this disease.

NM_000222.3(KIT):c.-21G>T

Gene: KIT (KIT proto-oncogene, receptor tyrosine kinase; plus strand). Cytogenetic location: 4q12.
Variant type: single nucleotide variant.
Coding change: c.-21G>T on transcript NM_000222.3 (MANE Select); 21 bases upstream of the start codon, G replaced by T.
Molecular consequence: 5 prime UTR variant.
Genome position (GRCh38, 1-based): chr4:54,657,994, G>T. VCF-style: chr4-54657994-G-T. GRCh37 (hg19) VCF-style: chr4-55524161-G-T.
Other names: c.-21G>T (NM_001093772.2, NM_001385284.1, NM_001385285.1 and 4 more transcripts).
Identifiers: ClinVar variation 900131 (VCV000900131.4), dbSNP rs201778132, ClinGen allele CA2923104.